The following is an entry in ClinVar:

NM_001349253.2(SCN11A):c.2403+5G>A

Gene: SCN11A (sodium voltage-gated channel alpha subunit 11; minus strand). Cytogenetic location: 3p22.2.
Variant type: single nucleotide variant.
Coding change: c.2403+5G>A on transcript NM_001349253.2 (MANE Select); 5 bases into the intron after coding-DNA position 2403, G replaced by A.
Molecular consequence: intron variant.
Genome position (GRCh38, 1-based): chr3:38,896,840, C>T on the plus strand (G>A on the coding strand, the complement: SCN11A is on the minus strand). VCF-style: chr3-38896840-C-T. GRCh37 (hg19) VCF-style: chr3-38938331-C-T.
Other names: c.2403+5G>A (NM_014139.3).
Identifiers: ClinVar variation 3758128 (VCV003758128.2).

ClinVar aggregate classification (germline): Uncertain significance (1 of 4 stars; one submission).

Conditions:
Hereditary sensory and autonomic neuropathy type 7. Also called: HSAN VII; Neuropathy, hereditary sensory and autonomic, type VII. Identifiers: Orphanet 391397, MedGen C3809882, MONDO:0014244, OMIM 615548.
Familial episodic pain syndrome with predominantly lower limb involvement. Also called: Episodic pain syndrome, familial, 3. Identifiers: Orphanet 391384, Orphanet 391392, MedGen C3809899, MONDO:0014247, OMIM 615552.

gnomAD v4.1: 8 of 1,443,772 alleles (0.00055%); highest among the groups gnomAD compares: African/African-American, 0.0075%; no homozygotes.

Submission:

Labcorp Genetics (formerly Invitae), Labcorp
Classification: Uncertain significance for Familial episodic pain syndrome with predominantly lower limb involvement; Hereditary sensory and autonomic neuropathy type 7. Last evaluated: 2024-07-23. Review status: criteria provided, single submitter. Criteria: Invitae Variant Classification Sherloc (09022015). Collection method: clinical testing. Allele origin: germline.
Comment: This sequence change falls in intron 14 of the SCN11A gene. It does not directly change the encoded amino acid sequence of the SCN11A protein. It affects a nucleotide within the consensus splice site. This variant is present in population databases (rs201240136, gnomAD 0.02%). This variant has not been reported in the literature in individuals affected with SCN11A-related conditions. Variants that disrupt the consensus splice site are a relatively common cause of aberrant splicing (PMID: 17576681, 9536098). Algorithms developed to predict the effect of sequence changes on RNA splicing suggest that this variant may disrupt the consensus splice site. In summary, the available evidence is currently insufficient to determine the role of this variant in disease. Therefore, it has been classified as a Variant of Uncertain Significance.

Literature cited by the submitters: PubMed 17576681; PubMed 9536098.